The following is an entry in ClinVar:

NM_000061.3(BTK):c.518G>A (p.Gly173Glu)

Gene: BTK (Bruton tyrosine kinase; minus strand). Cytogenetic location: Xq22.1.
Variant type: single nucleotide variant.
Coding change: c.518G>A on transcript NM_000061.3 (MANE Select); coding-DNA position 518, G replaced by A.
Protein change: p.Gly173Glu; replaces glycine 173 with glutamic acid.
Molecular consequence: missense variant.
Genome position (GRCh38, 1-based): chrX:101,362,563, C>T on the plus strand (G>A on the coding strand, the complement: BTK is on the minus strand). VCF-style: chrX-101362563-C-T. GRCh37 (hg19) VCF-style: chrX-100617551-C-T.
Other names: c.620G>A, p.Gly207Glu (NM_001287344.2); c.518G>A, p.Gly173Glu (NM_001287345.2); short protein forms G173E, G207E.
Identifiers: ClinVar variation 2702289 (VCV002702289.3), dbSNP rs2520610443, ClinGen allele CA413934793.

ClinVar aggregate classification (germline): Uncertain significance (1 of 4 stars; one submission).

Conditions:
X-linked agammaglobulinemia with growth hormone deficiency (IGHD3). Also called: HYPOGAMMAGLOBULINEMIA AND ISOLATED GROWTH HORMONE DEFICIENCY, X-LINKED; IGHD III; Isolated growth hormone deficiency type 3; Growth hormone deficiency with hypogammaglobulinemia; ISOLATED GROWTH HORMONE DEFICIENCY, TYPE III, WITH AGAMMAGLOBULINEMIA; AGAMMAGLOBULINEMIA AND ISOLATED GROWTH HORMONE DEFICIENCY, X-LINKED. Identifiers: Orphanet 231692, Orphanet 631, MedGen C0472813, MONDO:0010615, OMIM 307200.

Submission:

Labcorp Genetics (formerly Invitae), Labcorp
Classification: Uncertain significance for X-linked agammaglobulinemia with growth hormone deficiency. Last evaluated: 2023-12-12. Review status: criteria provided, single submitter. Criteria: Invitae Variant Classification Sherloc (09022015). Collection method: clinical testing. Allele origin: germline.
Comment: This sequence change replaces glycine, which is neutral and non-polar, with glutamic acid, which is acidic and polar, at codon 173 of the BTK protein (p.Gly173Glu). This variant is not present in population databases (gnomAD no frequency). This variant has not been reported in the literature in individuals affected with BTK-related conditions. An algorithm developed to predict the effect of missense changes on protein structure and function (PolyPhen-2) suggests that this variant is likely to be tolerated. In summary, the available evidence is currently insufficient to determine the role of this variant in disease. Therefore, it has been classified as a Variant of Uncertain Significance.